The following is an entry in ClinVar:

NM_198075.4(LRRC56):c.1439G>A (p.Arg480Gln)

Gene: LRRC56 (leucine rich repeat containing 56; plus strand). Cytogenetic location: 11p15.5.
Variant type: single nucleotide variant.
Coding change: c.1439G>A on transcript NM_198075.4 (MANE Select); coding-DNA position 1439, G replaced by A.
Protein change: p.Arg480Gln; replaces arginine 480 with glutamine.
Molecular consequence: missense variant.
Genome position (GRCh38, 1-based): chr11:554,086, G>A. VCF-style: chr11-554086-G-A. GRCh37 (hg19) VCF-style: chr11-554086-G-A.
Other names: short protein forms R480Q.
Identifiers: ClinVar variation 1951894 (VCV001951894.2), dbSNP rs758847206, ClinGen allele CA5780109.
Genomic context (GRCh38, chr11:554,086, plus strand): 5'-ATTCTGGCAGCAGCTCCCCGCGGTGGTCGACAGACCTGCAGTCCAGGGGGCGTCGGCTCC[G>A]AGTCCTGGGCAGCTGGGGGCCTGGCCTGGGTGATGGGGTGGCTGCAGTGCCTGTCCTGAG-3'
Protein context (NP_932341.1, residues 470-490): TDLQSRGRRL[Arg480Gln]VLGSWGPGLG

ClinVar aggregate classification (germline): Uncertain significance (1 of 4 stars; one submission).

Allele frequency attached by ClinVar (database versions not stated): gnomAD 0.00001; ExAC 0.00002.
gnomAD v4.1: 18 of 1,608,338 alleles (0.0011%); highest among the groups gnomAD compares: Middle Eastern, 0.016%; no homozygotes.

Submission:

Labcorp Genetics (formerly Invitae), Labcorp
Classification: Uncertain significance. Last evaluated: 2021-12-26. Review status: criteria provided, single submitter. Criteria: Invitae Variant Classification Sherloc (09022015). Collection method: clinical testing. Allele origin: germline.
Comment: This sequence change replaces arginine, which is basic and polar, with glutamine, which is neutral and polar, at codon 480 of the LRRC56 protein (p.Arg480Gln). This variant is present in population databases (rs758847206, gnomAD 0.01%). This variant has not been reported in the literature in individuals affected with LRRC56-related conditions. Algorithms developed to predict the effect of missense changes on protein structure and function are either unavailable or do not agree on the potential impact of this missense change (SIFT: "Deleterious"; PolyPhen-2: "Probably Damaging"; Align-GVGD: "Class C0"). In summary, the available evidence is currently insufficient to determine the role of this variant in disease. Therefore, it has been classified as a Variant of Uncertain Significance.